The following is an entry in ClinVar:

NM_018943.3(TUBA8):c.1118G>A (p.Arg373Gln)

Gene: TUBA8 (tubulin alpha 8; plus strand). Cytogenetic location: 22q11.21.
Variant type: single nucleotide variant.
Coding change: c.1118G>A on transcript NM_018943.3 (MANE Select); coding-DNA position 1118, G replaced by A.
Protein change: p.Arg373Gln; replaces arginine 373 with glutamine.
Molecular consequence: missense variant.
Genome position (GRCh38, 1-based): chr22:18,130,904, G>A. VCF-style: chr22-18130904-G-A. GRCh37 (hg19) VCF-style: chr22-18613671-G-A.
Other names: c.920G>A, p.Arg307Gln (NM_001193414.2); short protein forms R373Q, R307Q.
Identifiers: ClinVar variation 1445088 (VCV001445088.8), dbSNP rs563622614, ClinGen allele CA10093844.

ClinVar aggregate classification (germline): Uncertain significance (1 of 4 stars; one submission).

Allele frequency attached by ClinVar (database versions not stated): ExAC 0.00006; gnomAD exomes 0.00008 and 0.00002; TOPMed 0.00002; gnomAD 0.00004 and 0.00005; 1000 Genomes Project 30x 0.00016; 1000 Genomes Project 0.00020.
gnomAD v4.1: 47 of 1,614,126 alleles (0.0029%); highest among the groups gnomAD compares: South Asian, 0.02%; no homozygotes.

Submission:

Labcorp Genetics (formerly Invitae), Labcorp
Classification: Uncertain significance. Last evaluated: 2024-05-28. Review status: criteria provided, single submitter. Criteria: Invitae Variant Classification Sherloc (09022015). Collection method: clinical testing. Allele origin: germline.
Comment: This sequence change replaces arginine, which is basic and polar, with glutamine, which is neutral and polar, at codon 373 of the TUBA8 protein (p.Arg373Gln). This variant is present in population databases (rs563622614, gnomAD 0.04%). This variant has not been reported in the literature in individuals affected with TUBA8-related conditions. ClinVar contains an entry for this variant (Variation ID: 1445088). Advanced modeling of protein sequence and biophysical properties (such as structural, functional, and spatial information, amino acid conservation, physicochemical variation, residue mobility, and thermodynamic stability) performed at Invitae indicates that this missense variant is expected to disrupt TUBA8 protein function with a positive predictive value of 80%. In summary, the available evidence is currently insufficient to determine the role of this variant in disease. Therefore, it has been classified as a Variant of Uncertain Significance.